The following is an entry in ClinVar:

ClinVar aggregate classification (germline): Pathogenic (1 of 4 stars; one submission).

Conditions:
Parathyroid carcinoma (PRTC). Also called: Parathyroid gland carcinoma; CDC73-Related Parathyroid Carcinoma. Identifiers: Orphanet 143, MedGen C0687150, MONDO:0012004, OMIM 608266, HP:0006780.

Submission:

Labcorp Genetics (formerly Invitae), Labcorp
Classification: Pathogenic for Parathyroid carcinoma. Last evaluated: 2020-01-30. Review status: criteria provided, single submitter. Criteria: Invitae Variant Classification Sherloc (09022015). Collection method: clinical testing. Allele origin: germline.
Comment: This sequence change creates a premature translational stop signal (p.Tyr293*) in the CDC73 gene. It is expected to result in an absent or disrupted protein product. This variant is not present in population databases (ExAC no frequency). This variant has been observed in individual(s) with Wilm's tumor (PMID: 30885698). Loss-of-function variants in CDC73 are known to be pathogenic (PMID: 12434154). For these reasons, this variant has been classified as Pathogenic.

Literature cited by the submitters: PubMed 30885698; PubMed 12434154.

NM_024529.5(CDC73):c.878dup (p.Tyr293Ter)

Gene: CDC73 (cell division cycle 73; plus strand). Cytogenetic location: 1q31.2.
Variant type: Duplication.
Coding change: c.878dup on transcript NM_024529.5 (MANE Select); coding-DNA position 878, one base duplicated (A; older notation c.878dupA).
Protein change: p.Tyr293Ter; replaces tyrosine 293 with a stop codon.
Molecular consequence: nonsense.
Genome position (GRCh38, 1-based): chr1:193,150,353, A duplicated. VCF-style (leftmost placement, unchanged base first): chr1-193150352-T-TA. GRCh37 (hg19) VCF-style: chr1-193119482-T-TA.
Other names: short protein forms Y293*.
Identifiers: ClinVar variation 1075111 (VCV001075111.9), dbSNP rs2103132220, ClinGen allele CA2499214367.
Genomic context (GRCh38, chr1:193,150,352, plus strand): 5'-ATTTTTTTACAGGATCCCACTTTGCGCACCAAACAGCCTATCCCAGCTGCCTATAACAGA[T>TA]ACGATCAGGAAAGATTCAAAGGAAAAGAAGGCAAGTTGCTTAATTCTTATCTTCCCCTTA-3'